The following is an entry in ClinVar:

ClinVar aggregate classification (germline): Likely benign. Review status: criteria provided, multiple submitters, no conflicts (2 of 4 stars). 2 submissions from 2 submitters: Likely benign (2). Last evaluated 2022-10-27.

Allele frequency attached by ClinVar (database versions not stated): gnomAD 0.00001.
gnomAD v4.1: 6 of 1,609,344 alleles (0.00037%); highest among the groups gnomAD compares: Non-Finnish European, 0.00051%; no homozygotes.

Submissions (2):

Blueprint Genetics
Classification: Likely benign. Last evaluated: 2022-10-27. Review status: criteria provided, single submitter. Criteria: ACMG Guidelines, 2015. Collection method: clinical testing. Allele origin: germline.

CeGaT Center for Human Genetics Tuebingen
Classification: Likely benign. Last evaluated: 2022-09-01. Review status: criteria provided, single submitter. Criteria: CeGaT Center For Human Genetics Tuebingen Variant Classification Criteria Version 2. Collection method: clinical testing. Allele origin: germline. Affected: yes. Observed: 1 variant allele.
Comment: CUX2: BP4, BP7

NM_015267.4(CUX2):c.2871G>C (p.Leu957=)

Gene: CUX2 (cut like homeobox 2; plus strand). Cytogenetic location: 12q24.12.
Variant type: single nucleotide variant.
Coding change: c.2871G>C on transcript NM_015267.4 (MANE Select); coding-DNA position 2871, G replaced by C.
Protein change: p.Leu957=; no amino-acid change (leucine 957 retained).
Molecular consequence: synonymous variant.
Genome position (GRCh38, 1-based): chr12:111,322,525, G>C. VCF-style: chr12-111322525-G-C. GRCh37 (hg19) VCF-style: chr12-111760329-G-C.
Other names: c.2685G>C, p.Leu895= (NM_001370598.1).
Identifiers: ClinVar variation 2643306 (VCV002643306.25), dbSNP rs1887586074, ClinGen allele CA481754059.